The following is an entry in ClinVar:

NM_017934.7(PHIP):c.1367G>C (p.Gly456Ala)

Gene: PHIP (PHIP subunit of CUL4-Ring ligase complex; minus strand). Cytogenetic location: 6q14.1.
Variant type: single nucleotide variant.
Coding change: c.1367G>C on transcript NM_017934.7 (MANE Select); coding-DNA position 1367, G replaced by C.
Protein change: p.Gly456Ala; replaces glycine 456 with alanine.
Molecular consequence: missense variant.
Genome position (GRCh38, 1-based): chr6:79,015,652, C>G on the plus strand (G>C on the coding strand, the complement: PHIP is on the minus strand). VCF-style: chr6-79015652-C-G. GRCh37 (hg19) VCF-style: chr6-79725369-C-G.
Other names: short protein forms G456A.
Identifiers: ClinVar variation 3344614 (VCV003344614.1).

ClinVar aggregate classification (germline): Uncertain significance (0 of 4 stars; one submission).

Conditions:
PHIP-related disorder. Also called: PHIP-related condition; PHIP-related disorders.

gnomAD v4.1: 14 of 1,604,742 alleles (0.00087%); highest among the groups gnomAD compares: Non-Finnish European, 0.0011%; no homozygotes.

Submission:

PreventionGenetics, part of Exact Sciences
Classification: Uncertain significance for PHIP-related condition. Last evaluated: 2024-09-04. Review status: no assertion criteria provided. Collection method: clinical testing. Allele origin: germline.
Comment: The PHIP c.1367G>C variant is predicted to result in the amino acid substitution p.Gly456Ala. To our knowledge, this variant has not been reported in the literature. This variant is reported in 0.0027% of alleles in individuals of European (Non-Finnish) descent in gnomAD. At this time, the clinical significance of this variant is uncertain due to the absence of conclusive functional and genetic evidence.